The following is an entry in ClinVar:

ClinVar aggregate classification (germline): Uncertain significance (1 of 4 stars; one submission).

Conditions:
ROBO4-related disorder. Also called: ROBO4-related condition.

gnomAD v4.1: 10 of 1,614,060 alleles (0.00062%); highest among the groups gnomAD compares: Non-Finnish European, 0.00085%; no homozygotes.

Submission:

PreventionGenetics, part of Exact Sciences
Classification: Uncertain significance for ROBO4-related condition. Last evaluated: 2026-07-07. Review status: criteria provided, single submitter. Criteria: ACMG Guidelines, 2015. Collection method: clinical testing. Allele origin: germline.
Comment: The ROBO4 c.47C>T variant is predicted to result in the amino acid substitution p.Pro16Leu. To our knowledge, this variant has not been reported in the literature or in a large population database (gnomAD), indicating this variant is rare. At this time, the clinical significance of this variant is uncertain due to the absence of conclusive functional and genetic evidence.

NM_019055.6(ROBO4):c.47C>T (p.Pro16Leu)

Gene: ROBO4 (roundabout guidance receptor 4; minus strand). Cytogenetic location: 11q24.2.
Variant type: single nucleotide variant.
Coding change: c.47C>T on transcript NM_019055.6 (MANE Select); coding-DNA position 47, C replaced by T.
Protein change: p.Pro16Leu; replaces proline 16 with leucine.
Molecular consequence: missense variant. On other transcripts: 5 prime UTR variant (1).
Genome position (GRCh38, 1-based): chr11:124,897,749, G>A on the plus strand (C>T on the coding strand, the complement: ROBO4 is on the minus strand). VCF-style: chr11-124897749-G-A. GRCh37 (hg19) VCF-style: chr11-124767645-G-A.
Other names: c.-183C>T (NM_001301088.2); c.47C>T, p.Pro16Leu (NM_001441183.1); short protein forms P16L.
Identifiers: ClinVar variation 4978138 (VCV004978138.1).
Genomic context (GRCh38, chr11:124,897,749, plus strand): 5'-TGGAGGAGCATGGGCCAGGAGAGGGAGAGCAACTCACCCATGATGAGCAGGAGCAGCAGA[G>A]GCAGGGAACCCCTGCCCCCCAGGAGGCTGTCTCCTCCAGAGCCCATGGCTACTCTCAGCC-3'
Protein context (NP_061928.4, residues 6-26): DSLLGGRGSL[Pro16Leu]LLLLLIMGGM